The following is an entry in ClinVar:

NM_001009944.3(PKD1):c.10064C>T (p.Pro3355Leu)

Gene: PKD1 (polycystin 1, transient receptor potential channel interacting; minus strand). Cytogenetic location: 16p13.3.
Variant type: single nucleotide variant.
Coding change: c.10064C>T on transcript NM_001009944.3 (MANE Select); coding-DNA position 10064, C replaced by T.
Protein change: p.Pro3355Leu; replaces proline 3355 with leucine.
Molecular consequence: missense variant.
Genome position (GRCh38, 1-based): chr16:2,097,971, G>A on the plus strand (C>T on the coding strand, the complement: PKD1 is on the minus strand). VCF-style: chr16-2097971-G-A. GRCh37 (hg19) VCF-style: chr16-2147972-G-A.
Other names: c.10064C>T, p.Pro3355Leu (NM_000296.4); short protein forms P3355L.
Identifiers: ClinVar variation 2636864 (VCV002636864.3), dbSNP rs781263445, ClinGen allele CA7829822.

ClinVar aggregate classification (germline): Uncertain significance. Review status: criteria provided, multiple submitters, no conflicts (2 of 4 stars). 3 submissions from 3 submitters: Uncertain significance (3). Last evaluated 2024-06-17.

Conditions:
Polycystic kidney disease, adult type (PKD1). Also called: POLYCYSTIC KIDNEY DISEASE 1 WITH OR WITHOUT POLYCYSTIC LIVER DISEASE; Polycystic Kidney Disease 1, Autosomal Dominant; Polycystic kidney disease 1; Polycystic kidney disease 1, severe; Polycystic Kidney, Autosomal Dominant; POLYCYSTIC KIDNEY DISEASE, ADULT, TYPE I. Identifiers: MedGen C3149841, MONDO:0008263, OMIM 173900.
PKD1-related disorder. Also called: PKD1-related condition.

Allele frequency attached by ClinVar (database versions not stated): gnomAD 0.00001; gnomAD exomes 0.00001; TOPMed 0.00001.
gnomAD v4.1: 17 of 1,583,842 alleles (0.0011%); highest among the groups gnomAD compares: Non-Finnish European, 0.0012%; no homozygotes.

Submissions (3):

Fulgent Genetics
Classification: Uncertain significance for Polycystic kidney disease, adult type. Last evaluated: 2024-06-17. Review status: criteria provided, single submitter. Criteria: ACMG Guidelines, 2015. Collection method: clinical testing. Allele origin: germline.

PreventionGenetics, part of Exact Sciences
Classification: Uncertain significance for PKD1-related condition. Last evaluated: 2023-06-05. Review status: criteria provided, single submitter. Criteria: ACMG Guidelines, 2015. Collection method: clinical testing. Allele origin: germline.
Comment: The PKD1 c.10064C>T variant is predicted to result in the amino acid substitution p.Pro3355Leu. This variant has been reported in an individual with polycystic kidney disease and intracranial aneurysm (Rossetti et al 2003. PubMed ID: 12842373). It is listed as variant of uncertain significance in a reputable ADPKD-specific variant database. This variant is reported in 0.0034% of alleles in individuals of South Asian descent in gnomAD. At this time, the clinical significance of this variant is uncertain due to the absence of conclusive functional and genetic evidence.

Department of Pathology and Laboratory Medicine, Sinai Health System
Classification: Uncertain significance for Polycystic kidney disease, adult type. Last evaluated: 2020-04-06. Review status: criteria provided, single submitter. Criteria: ACMG Guidelines, 2015. Collection method: clinical testing. Allele origin: germline.

Literature cited by the submitters: PubMed 12842373 (cited by Department of Pathology and Laboratory Medicine, Sinai Health System).